The following is an entry in ClinVar:

ClinVar aggregate classification (germline): Uncertain significance (1 of 4 stars; one submission).

Conditions:
Familial adenomatous polyposis 1 (FAP1). Also called: FAMILIAL ADENOMATOUS POLYPOSIS 1, ATTENUATED; POLYPOSIS, ADENOMATOUS INTESTINAL. Identifiers: MedGen C2713442, MONDO:0021056, OMIM 175100. Disease mechanism: loss of function.

Submission:

Labcorp Genetics (formerly Invitae), Labcorp
Classification: Uncertain significance for Familial adenomatous polyposis 1. Last evaluated: 2025-04-10. Review status: criteria provided, single submitter. Criteria: Invitae Variant Classification Sherloc (09022015). Collection method: clinical testing. Allele origin: germline.
Comment: This sequence change replaces proline, which is neutral and non-polar, with arginine, which is basic and polar, at codon 1665 of the APC protein (p.Pro1665Arg). This variant is not present in population databases (gnomAD no frequency). This variant has not been reported in the literature in individuals affected with APC-related conditions. Invitae Evidence Modeling of protein sequence and biophysical properties (such as structural, functional, and spatial information, amino acid conservation, physicochemical variation, residue mobility, and thermodynamic stability) indicates that this missense variant is not expected to disrupt APC protein function with a negative predictive value of 95%. In summary, the available evidence is currently insufficient to determine the role of this variant in disease. Therefore, it has been classified as a Variant of Uncertain Significance.

NM_000038.6(APC):c.4994C>G (p.Pro1665Arg)

Gene: APC (APC regulator of Wnt signaling pathway; plus strand). Cytogenetic location: 5q22.2.
Variant type: single nucleotide variant.
Coding change: c.4994C>G on transcript NM_000038.6 (MANE Select); coding-DNA position 4994, C replaced by G.
Protein change: p.Pro1665Arg; replaces proline 1665 with arginine.
Molecular consequence: missense variant. On other transcripts: non-coding transcript variant (2).
Genome position (GRCh38, 1-based): chr5:112,840,588, C>G. VCF-style: chr5-112840588-C-G. GRCh37 (hg19) VCF-style: chr5-112176285-C-G.
Other names: c.4994C>G, p.Pro1665Arg (NM_001127510.3, NM_001354895.2, NM_001407450.1); c.4940C>G, p.Pro1647Arg (NM_001127511.3); c.5048C>G, p.Pro1683Arg (NM_001354896.2, NM_001407447.1, NM_001407448.1 and 1 more transcripts); c.5024C>G, p.Pro1675Arg (NM_001354897.2); c.4919C>G, p.Pro1640Arg (NM_001354898.2); c.4910C>G, p.Pro1637Arg (NM_001354899.2); c.4871C>G, p.Pro1624Arg (NM_001354900.2); c.4817C>G, p.Pro1606Arg (NM_001354901.2, NM_001407453.1); and 11 more; short protein forms P1281R, P1382R, P1505R, P1536R, P1539R, P1564R, P1574R, P1582R.
Identifiers: ClinVar variation 4801490 (VCV004801490.1).